The following is an entry in ClinVar:

NM_001363711.2(DUOX2):c.4067C>T (p.Ala1356Val)

Gene: DUOX2 (dual oxidase 2; minus strand). Cytogenetic location: 15q21.1.
Variant type: single nucleotide variant.
Coding change: c.4067C>T on transcript NM_001363711.2 (MANE Select); coding-DNA position 4067, C replaced by T.
Protein change: p.Ala1356Val; replaces alanine 1356 with valine.
Molecular consequence: missense variant.
Genome position (GRCh38, 1-based): chr15:45,095,841, G>A on the plus strand (C>T on the coding strand, the complement: DUOX2 is on the minus strand). VCF-style: chr15-45095841-G-A. GRCh37 (hg19) VCF-style: chr15-45388039-G-A.
Other names: c.4067C>T, p.Ala1356Val (NM_014080.5); short protein forms A1356V.
Identifiers: ClinVar variation 2801707 (VCV002801707.3), dbSNP rs2504740061, ClinGen allele CA392253406.

ClinVar aggregate classification (germline): Uncertain significance (1 of 4 stars; one submission).

Submission:

Labcorp Genetics (formerly Invitae), Labcorp
Classification: Uncertain significance. Last evaluated: 2022-10-28. Review status: criteria provided, single submitter. Criteria: Invitae Variant Classification Sherloc (09022015). Collection method: clinical testing. Allele origin: germline.
Comment: This sequence change replaces alanine, which is neutral and non-polar, with valine, which is neutral and non-polar, at codon 1356 of the DUOX2 protein (p.Ala1356Val). This variant is not present in population databases (gnomAD no frequency). This variant has not been reported in the literature in individuals affected with DUOX2-related conditions. Advanced modeling of protein sequence and biophysical properties (such as structural, functional, and spatial information, amino acid conservation, physicochemical variation, residue mobility, and thermodynamic stability) performed at Invitae indicates that this missense variant is not expected to disrupt DUOX2 protein function. In summary, the available evidence is currently insufficient to determine the role of this variant in disease. Therefore, it has been classified as a Variant of Uncertain Significance.